The following is an entry in ClinVar:

NM_001358235.2(DCHS2):c.28G>C (p.Glu10Gln)

Gene: DCHS2 (dachsous cadherin-related 2; minus strand). Cytogenetic location: 4q31.3.
Variant type: single nucleotide variant.
Coding change: c.28G>C on transcript NM_001358235.2 (MANE Select); coding-DNA position 28, G replaced by C.
Protein change: p.Glu10Gln; replaces glutamic acid 10 with glutamine.
Molecular consequence: missense variant.
Genome position (GRCh38, 1-based): chr4:154,491,328, C>G on the plus strand (G>C on the coding strand, the complement: DCHS2 is on the minus strand). VCF-style: chr4-154491328-C-G. GRCh37 (hg19) VCF-style: chr4-155412480-C-G.
Other names: c.28G>C, p.Glu10Gln (NM_001142552.2, NM_001412223.1); c.28G>C (NM_001358235.1); short protein forms E10Q.
Identifiers: ClinVar variation 2655147 (VCV002655147.25), dbSNP rs537827508, ClinGen allele CA3113939.
Genomic context (GRCh38, chr4:154,491,328, plus strand): 5'-CTCTCCTCCCGGGGAGCAGAAGGAGCTTCCCGACCGGAGCCCGCCGCTGCTGACGCCCTT[C>G]GCCCATCTTCCGCCCACAAGGGCTCATTTCTCCTCCAGCTCCTTGGGAAGGCTCTCGGGT-3'
Protein context (NP_001345164.1, residues 1-20): MSPCGRKMG[Glu10Gln]GRQQRRAPVG

ClinVar aggregate classification (germline): Likely benign. Review status: criteria provided, single submitter (1 of 4 stars). 2 submissions from 2 submitters: Likely benign (1). 1 of the submissions does not count toward it. Last evaluated 2022-04-01.

Conditions:
DCHS2-related disorder. Also called: DCHS2-related condition.

Allele frequency attached by ClinVar (database versions not stated): gnomAD exomes 0.00016; 1000 Genomes Project 30x 0.00094; 1000 Genomes Project 0.00100; ExAC 0.00107.
gnomAD v4.1: 434 of 1,543,980 alleles (0.028%); highest among the groups gnomAD compares: African/African-American, 0.49%; 3 homozygotes.

Submissions (2):

CeGaT Center for Human Genetics Tuebingen
Classification: Likely benign. Last evaluated: 2022-04-01. Review status: criteria provided, single submitter. Criteria: CeGaT Center For Human Genetics Tuebingen Variant Classification Criteria Version 2. Collection method: clinical testing. Allele origin: germline. Affected: yes. Observed: 1 variant allele.
Comment: DCHS2: BP4

PreventionGenetics, part of Exact Sciences
Classification: Likely benign for DCHS2-related condition. Last evaluated: 2022-06-12. Review status: no assertion criteria provided. Collection method: clinical testing. Allele origin: germline. Not counted in ClinVar's aggregate classification.
Comment: This variant is classified as likely benign based on ACMG/AMP sequence variant interpretation guidelines (Richards et al. 2015 PMID: 25741868, with internal and published modifications).